The following is an entry in ClinVar:

NM_006206.6(PDGFRA):c.1171C>T (p.His391Tyr)

Gene: PDGFRA (platelet derived growth factor receptor alpha; plus strand). Cytogenetic location: 4q12.
Variant type: single nucleotide variant.
Coding change: c.1171C>T on transcript NM_006206.6 (MANE Select); coding-DNA position 1171, C replaced by T.
Protein change: p.His391Tyr; replaces histidine 391 with tyrosine.
Molecular consequence: missense variant.
Genome position (GRCh38, 1-based): chr4:54,270,682, C>T. VCF-style: chr4-54270682-C-T. GRCh37 (hg19) VCF-style: chr4-55136849-C-T.
Other names: c.1171C>T, p.His391Tyr (NM_001347827.2, NM_001347829.2); c.1246C>T, p.His416Tyr (NM_001347828.2); c.1210C>T, p.His404Tyr (NM_001347830.2); short protein forms H391Y, H416Y, H404Y.
Identifiers: ClinVar variation 528524 (VCV000528524.12), dbSNP rs781579645, ClinGen allele CA2922483.

ClinVar aggregate classification (germline): Uncertain significance. Review status: criteria provided, multiple submitters, no conflicts (2 of 4 stars). 2 submissions from 2 submitters: Uncertain significance (2). Last evaluated 2026-01-28.

Conditions:
Gastrointestinal stromal tumor. Also called: Gastrointestinal stroma tumor; Gastrointestinal stromal tumor, somatic. Identifiers: Orphanet 44890, MedGen C0238198, MeSH D046152, MONDO:0011719, OMIM 606764, HP:0100723.
Hereditary cancer-predisposing syndrome. Also called: Tumor predisposition; Hereditary neoplastic syndrome; Hereditary Cancer Syndrome; Neoplastic Syndromes, Hereditary. Identifiers: Orphanet 140162, MedGen C0027672, MeSH D009386, MONDO:0015356.

Allele frequency attached by ClinVar (database versions not stated): gnomAD exomes below 0.00001; ExAC 0.00001.
gnomAD v4.1: 25 of 1,612,352 alleles (0.0016%); highest among the groups gnomAD compares: Non-Finnish European, 0.002%; no homozygotes.

Submissions (2):

Labcorp Genetics (formerly Invitae), Labcorp
Classification: Uncertain significance for Gastrointestinal stromal tumor. Last evaluated: 2026-01-28. Review status: criteria provided, single submitter. Criteria: Invitae Variant Classification Sherloc (09022015). Collection method: clinical testing. Allele origin: germline.
Comment: This sequence change replaces histidine, which is basic and polar, with tyrosine, which is neutral and polar, at codon 391 of the PDGFRA protein (p.His391Tyr). This variant is present in population databases (rs781579645, gnomAD 0.0009%). This variant has not been reported in the literature in individuals affected with PDGFRA-related conditions. ClinVar contains an entry for this variant (Variation ID: 528524). Invitae Evidence Modeling of protein sequence and biophysical properties (such as structural, functional, and spatial information, amino acid conservation, physicochemical variation, residue mobility, and thermodynamic stability) indicates that this missense variant is not expected to disrupt PDGFRA protein function with a negative predictive value of 80%. In summary, the available evidence is currently insufficient to determine the role of this variant in disease. Therefore, it has been classified as a Variant of Uncertain Significance.

Ambry Genetics
Classification: Uncertain significance for Hereditary cancer-predisposing syndrome. Last evaluated: 2025-02-15. Review status: criteria provided, single submitter. Criteria: Ambry Variant Classification Scheme 2023. Collection method: clinical testing. Allele origin: germline.
Comment: The p.H391Y variant (also known as c.1171C>T), located in coding exon 7 of the PDGFRA gene, results from a C to T substitution at nucleotide position 1171. The histidine at codon 391 is replaced by tyrosine, an amino acid with similar properties. This amino acid position is conserved. In addition, this alteration is predicted to be tolerated by in silico analysis. Since supporting evidence is limited at this time, the clinical significance of this alteration remains unclear.